The following is an entry in ClinVar:

ClinVar aggregate classification (germline): Uncertain significance (1 of 4 stars; one submission).

Conditions:
Mucopolysaccharidosis, MPS-IV-B (MPS4B). Also called: Mucopolysaccharidosis type IV B; Mucopolysaccharidosis Type IVB; Mucopolysaccharidosis type IVB (Morquio); MPS IVB; MORQUIO SYNDROME B; Mucopolysaccharidosis Type IVB (Morquio B Disease). Identifiers: Orphanet 309310, Orphanet 582, MedGen C0086652, MONDO:0009660, OMIM 253010.
GM1 gangliosidosis. Identifiers: Orphanet 354, MedGen C0085131, MONDO:0018149.

Allele frequency attached by ClinVar (database versions not stated): ESP Exome Variant Server 0.00008.
gnomAD v4.1: 6 of 1,575,938 alleles (0.00038%); highest among the groups gnomAD compares: Non-Finnish European, 0.00052%; no homozygotes.

Submission:

Labcorp Genetics (formerly Invitae), Labcorp
Classification: Uncertain significance for Mucopolysaccharidosis, MPS-IV-B; GM1 gangliosidosis. Last evaluated: 2022-08-11. Review status: criteria provided, single submitter. Criteria: Invitae Variant Classification Sherloc (09022015). Collection method: clinical testing. Allele origin: germline.
Comment: This sequence change replaces alanine, which is neutral and non-polar, with valine, which is neutral and non-polar, at codon 156 of the GLB1 protein (p.Ala156Val). The frequency data for this variant in the population databases is considered unreliable, as metrics indicate poor data quality at this position in the gnomAD database. This variant has not been reported in the literature in individuals affected with GLB1-related conditions. Advanced modeling of protein sequence and biophysical properties (such as structural, functional, and spatial information, amino acid conservation, physicochemical variation, residue mobility, and thermodynamic stability) performed at Invitae indicates that this missense variant is not expected to disrupt GLB1 protein function. Algorithms developed to predict the effect of sequence changes on RNA splicing suggest that this variant may create or strengthen a splice site. In summary, the available evidence is currently insufficient to determine the role of this variant in disease. Therefore, it has been classified as a Variant of Uncertain Significance.

NM_000404.4(GLB1):c.467C>T (p.Ala156Val)

Gene: GLB1 (galactosidase beta 1; minus strand). Cytogenetic location: 3p22.3.
Variant type: single nucleotide variant.
Coding change: c.467C>T on transcript NM_000404.4 (MANE Select); coding-DNA position 467, C replaced by T.
Protein change: p.Ala156Val; replaces alanine 156 with valine.
Molecular consequence: missense variant. On other transcripts: synonymous variant (1).
Genome position (GRCh38, 1-based): chr3:33,065,548, G>A on the plus strand (C>T on the coding strand, the complement: GLB1 is on the minus strand). VCF-style: chr3-33065548-G-A. GRCh37 (hg19) VCF-style: chr3-33107040-G-A.
Other names: c.377C>T, p.Ala126Val (NM_001079811.3); c.255C>T, p.Gly85= (NM_001135602.3); c.611C>T, p.Ala204Val (NM_001317040.2); c.467C>T, p.Ala156Val (NM_001393580.1); short protein forms A126V, A156V, A204V.
Identifiers: ClinVar variation 2141823 (VCV002141823.1), dbSNP rs372166784, ClinGen allele CA2299681.